The following is an entry in ClinVar:

ClinVar aggregate classification (germline): Uncertain significance (1 of 4 stars; one submission).

Conditions:
Norman-Roberts syndrome (LIS2). Also called: Lissencephaly 2 (Norman-Roberts type). Identifiers: Orphanet 89844, MedGen C0796089, MONDO:0009760, OMIM 257320.
Familial temporal lobe epilepsy 7. Identifiers: Orphanet 101046, MedGen C4225327, MONDO:0014639, OMIM 616436.

Submission:

Labcorp Genetics (formerly Invitae), Labcorp
Classification: Uncertain significance for Familial temporal lobe epilepsy 7; Norman-Roberts syndrome. Last evaluated: 2024-03-03. Review status: criteria provided, single submitter. Criteria: Invitae Variant Classification Sherloc (09022015). Collection method: clinical testing. Allele origin: germline.
Comment: This sequence change replaces arginine, which is basic and polar, with glycine, which is neutral and non-polar, at codon 1622 of the RELN protein (p.Arg1622Gly). This variant is not present in population databases (gnomAD no frequency). This variant has not been reported in the literature in individuals affected with RELN-related conditions. Advanced modeling of protein sequence and biophysical properties (such as structural, functional, and spatial information, amino acid conservation, physicochemical variation, residue mobility, and thermodynamic stability) performed at Invitae indicates that this missense variant is not expected to disrupt RELN protein function with a negative predictive value of 80%. Algorithms developed to predict the effect of sequence changes on RNA splicing suggest that this variant may create or strengthen a splice site. In summary, the available evidence is currently insufficient to determine the role of this variant in disease. Therefore, it has been classified as a Variant of Uncertain Significance.

NM_005045.4(RELN):c.4864C>G (p.Arg1622Gly)

Gene: RELN (reelin; minus strand). Cytogenetic location: 7q22.1.
Variant type: single nucleotide variant.
Coding change: c.4864C>G on transcript NM_005045.4 (MANE Select); coding-DNA position 4864, C replaced by G.
Protein change: p.Arg1622Gly; replaces arginine 1622 with glycine.
Molecular consequence: missense variant.
Genome position (GRCh38, 1-based): chr7:103,566,296, G>C on the plus strand (C>G on the coding strand, the complement: RELN is on the minus strand). VCF-style: chr7-103566296-G-C. GRCh37 (hg19) VCF-style: chr7-103206743-G-C.
Other names: c.4864C>G, p.Arg1622Gly (NM_173054.3); short protein forms R1622G.
Identifiers: ClinVar variation 3753402 (VCV003753402.2).